The following is an entry in ClinVar:

ClinVar aggregate classification (germline): Uncertain significance (1 of 4 stars; one submission).

Submission:

GeneDx
Classification: Uncertain significance. Last evaluated: 2024-02-23. Review status: criteria provided, single submitter. Criteria: GeneDx Variant Classification Process June 2021. Collection method: clinical testing. Allele origin: germline. Affected: yes.
Comment: Not observed at significant frequency in large population cohorts (gnomAD); In silico analysis supports that this missense variant has a deleterious effect on protein structure/function; Has not been previously published as pathogenic or benign to our knowledge

NM_003128.3(SPTBN1):c.1136A>C (p.Lys379Thr)

Gene: SPTBN1 (spectrin beta, non-erythrocytic 1; plus strand). Cytogenetic location: 2p16.2.
Variant type: single nucleotide variant.
Coding change: c.1136A>C on transcript NM_003128.3 (MANE Select); coding-DNA position 1136, A replaced by C.
Protein change: p.Lys379Thr; replaces lysine 379 with threonine.
Molecular consequence: missense variant.
Genome position (GRCh38, 1-based): chr2:54,623,550, A>C. VCF-style: chr2-54623550-A-C. GRCh37 (hg19) VCF-style: chr2-54850687-A-C.
Other names: c.1097A>C, p.Lys366Thr (NM_178313.3); short protein forms K366T, K379T.
Identifiers: ClinVar variation 3369308 (VCV003369308.1).